The following is an entry in ClinVar:

ClinVar aggregate classification (germline): Uncertain significance (1 of 4 stars; one submission).

Conditions:
Common variable immunodeficiency (CVID). Also called: Common variable hypogamma-globulinemia; Common variable agammaglobulinemia. Identifiers: Orphanet 1572, MedGen C0009447, MONDO:0015517.

Allele frequency attached by ClinVar (database versions not stated): gnomAD exomes 0.00001.
gnomAD v4.1: 22 of 1,612,246 alleles (0.0014%); highest among the groups gnomAD compares: Non-Finnish European, 0.0015%; no homozygotes.

Submission:

Labcorp Genetics (formerly Invitae), Labcorp
Classification: Uncertain significance for Common variable immunodeficiency. Last evaluated: 2025-06-25. Review status: criteria provided, single submitter. Criteria: Invitae Variant Classification Sherloc (09022015). Collection method: clinical testing. Allele origin: germline.
Comment: This sequence change creates a premature translational stop signal (p.Arg104*) in the TNFSF12 gene. It is expected to result in an absent or disrupted protein product. However, the current clinical and genetic evidence is not sufficient to establish whether loss-of-function variants in TNFSF12 cause disease. This variant is present in population databases (no rsID available, gnomAD 0.002%). This variant has not been reported in the literature in individuals affected with TNFSF12-related conditions. ClinVar contains an entry for this variant (Variation ID: 1485849). In summary, the available evidence is currently insufficient to determine the role of this variant in disease. Therefore, it has been classified as a Variant of Uncertain Significance.

NM_003809.3(TNFSF12):c.310C>T (p.Arg104Ter)

Genes: TNFSF12 (TNF superfamily member 12; plus strand), TNFSF12-TNFSF13 (TNFSF12-TNFSF13 readthrough; plus strand). Cytogenetic location: 17p13.1.
Variant type: single nucleotide variant.
Coding change: c.310C>T on transcript NM_003809.3 (MANE Select); coding-DNA position 310, C replaced by T.
Protein change: p.Arg104Ter; replaces arginine 104 with a stop codon.
Molecular consequence: nonsense. On other transcripts: non-coding transcript variant (1).
Genome position (GRCh38, 1-based): chr17:7,550,825, C>T. VCF-style: chr17-7550825-C-T. GRCh37 (hg19) VCF-style: chr17-7454142-C-T.
Other names: c.310C>T, p.Arg104Ter (NM_172089.4); short protein forms R104*.
Identifiers: ClinVar variation 1485849 (VCV001485849.6), dbSNP rs1432703775, ClinGen allele CA397857260.
Genomic context (GRCh38, chr17:7,550,825, plus strand): 5'-CCGCTTTGCTCATCTGTCTTTCCTTGATCCTCAGCACCTAAAGGCCGGAAAACACGGGCT[C>T]GAAGAGCGATCGCAGCCCATTATGAAGGTGGGTGATGGGTGAGCCATACCCAGGAGGAGA-3'